The following is an entry in ClinVar:

ClinVar aggregate classification (germline): Pathogenic. Review status: reviewed by expert panel (3 of 4 stars). 5 submissions from 5 submitters: Pathogenic (1). 4 of the submissions do not count toward it. Last evaluated 2022-12-14.

Conditions:
Very long chain acyl-CoA dehydrogenase deficiency (ACADVLD). Also called: VLCAD Deficiency; Very Long-Chain Acyl-Coenzyme A Dehydrogenase Deficiency. Identifiers: Orphanet 26793, MedGen C3887523, MONDO:0008723, OMIM 201475.

Submissions (5):

ClinGen ACADVL Variant Curation Expert Panel, ClinGen
Classification: Pathogenic for Very long chain acyl-CoA dehydrogenase deficiency. Last evaluated: 2022-12-14. Review status: reviewed by expert panel. Criteria: clingen acadvl acmg specifications v1. Collection method: curation. Allele origin: germline. Inheritance: Autosomal recessive inheritance.
Comment: The c.1770_1773del (p.Ser590fs) variant, also known as p.Ser590ArgfsTer89, in ACADVL is a frameshift variant predicted to cause a premature stop codon in biologically-relevant-exon 19/20 leading to nonsense mediated decay in a gene in which loss-of-function is an established disease mechanism (PVS1; PMIDs 9973285, 11590124). At least one patient with this variant displayed increased acylcarnitine levels, which is highly specific for very long chain acyl-CoA dehydrogenase (VLCAD) deficiency (PP4, PMID: 26927351). The highest population minor allele frequency in gnomAD v2.1.1 is 0.0000088 in the European (non-Finnish) population, which is lower than the ClinGen ACADVL Variant Curation Expert Panel threshold (<0.001) for PM2_Supporting, meeting this criterion (PM2_Supporting). In summary, this variant meets the criteria to be classified as pathogenic for autosomal recessive VLCAD deficiency based on the ACMG/AMP criteria applied, as specified by the ClinGen ACADVL Variant Curation Expert Panel: PVS1, PP4, PM2_Supporting (ACADVL VCEP specifications version 1; approved November 8, 2021).

Labcorp Genetics (formerly Invitae), Labcorp
Classification: Pathogenic for Very long chain acyl-CoA dehydrogenase deficiency. Last evaluated: 2025-08-26. Review status: criteria provided, single submitter. Criteria: Invitae Variant Classification Sherloc (09022015). Collection method: clinical testing. Allele origin: germline. Not counted in ClinVar's aggregate classification.
Comment: This sequence change creates a premature translational stop signal (p.Ser590Argfs*89) in the ACADVL gene. While this is not anticipated to result in nonsense mediated decay, it is expected to disrupt the last 66 amino acid(s) of the ACADVL protein. This variant is present in population databases (no rsID available, gnomAD 0.0009%). This premature translational stop signal has been observed in individual(s) with very long-chain acyl-CoA dehydrogenase deficiency (PMID: 26927351). Experimental studies and prediction algorithms are not available or were not evaluated, and the functional significance of this variant is currently unknown. This variant disrupts the p.Arg613 amino acid residue in ACADVL. Other variant(s) that disrupt this residue have been determined to be pathogenic (PMID: 7479827, 8554073, 10077518, 17374501, 17999356, 19327992). This suggests that this residue is clinically significant, and that variants that disrupt this residue are likely to be disease-causing. For these reasons, this variant has been classified as Pathogenic.

Natera, Inc.
Classification: Pathogenic for Very long chain acyl-CoA dehydrogenase deficiency. Last evaluated: 2025-06-30. Review status: criteria provided, single submitter. Criteria: Natera Variant Classification Schema (03/2026). Collection method: clinical testing. Allele origin: germline. Not counted in ClinVar's aggregate classification.
Comment: The c.1770_1773del variant in ACADVL is a frameshift variant predicted to elongate the protein beyond the termination codon. This variant is expected to result in nonsense mediated decay, truncation, or a dysfunctional protein product. This variant is rare in the general population with a frequency below the threshold expected for the associated phenotype(s). This variant has been observed in one or more individuals affected with the associated recessive disease, as either homozygous or compound heterozygous with a second variant (PMID: 29519241, 26927351). Given the available evidence, this variant is classified as Pathogenic.

Baylor Genetics
Classification: Pathogenic for Very long chain acyl-CoA dehydrogenase deficiency. Last evaluated: 2022-11-28. Review status: criteria provided, single submitter. Criteria: ACMG Guidelines, 2015. Collection method: clinical testing. Allele origin: unknown. Not counted in ClinVar's aggregate classification.

Counsyl
Classification: Likely pathogenic for Very long chain acyl-CoA dehydrogenase deficiency. Last evaluated: 2018-03-05. Review status: no assertion criteria provided. Collection method: clinical testing. Allele origin: unknown. Not counted in ClinVar's aggregate classification.

Literature cited by the submitters: PubMed 26927351 (cited by 3 submitters); PubMed 7479827 (cited by Labcorp Genetics (formerly Invitae), Labcorp); PubMed 8554073 (cited by Labcorp Genetics (formerly Invitae), Labcorp); PubMed 10077518 (cited by Labcorp Genetics (formerly Invitae), Labcorp); PubMed 17374501 (cited by Labcorp Genetics (formerly Invitae), Labcorp); PubMed 17999356 (cited by Labcorp Genetics (formerly Invitae), Labcorp); PubMed 19327992 (cited by Labcorp Genetics (formerly Invitae), Labcorp); PubMed 29519241 (cited by Natera, Inc.).

NM_000018.4(ACADVL):c.1770_1773del (p.Ser590fs)

Gene: ACADVL (acyl-CoA dehydrogenase very long chain; plus strand). Cytogenetic location: 17p13.1.
Variant type: Microsatellite.
Coding change: c.1770_1773del on transcript NM_000018.4 (MANE Select); coding-DNA positions 1770 to 1773, 4 bases deleted (TGAG; older notation c.1770_1773delTGAG).
Protein change: p.Ser590fs; shifts the reading frame from serine 590.
Molecular consequence: frameshift variant.
Genome position (GRCh38, 1-based): chr17:7,224,827-7,224,830, TGAG deleted; deleting any 4 consecutive bases within chr17:7,224,823-7,224,830 gives the same sequence; the c. name uses the placement nearest the transcript's 3' end. VCF-style (leftmost placement, unchanged base first): chr17-7224822-CTGAG-C. GRCh37 (hg19) VCF-style: chr17-7128141-CTGAG-C.
Other names: NM_000018.4(ACADVL):c.1770_1773del; p.Ser590fs; c.1770_1773del (NM_000018.3); c.1704_1707del, p.Ser568fs (NM_001033859.3); c.1839_1842del, p.Ser613fs (NM_001270447.2); c.1542_1545del, p.Ser514fs (NM_001270448.2); short protein forms S590fs, S514fs, S568fs, S613fs.
Identifiers: ClinVar variation 557136 (VCV000557136.13), dbSNP rs1555529048, ClinGen allele CA624860834.